The following is an entry in ClinVar:

NM_031935.3(HMCN1):c.10477C>G (p.Leu3493Val)

Gene: HMCN1 (hemicentin 1; plus strand). Cytogenetic location: 1q31.1.
Variant type: single nucleotide variant.
Coding change: c.10477C>G on transcript NM_031935.3 (MANE Select); coding-DNA position 10477, C replaced by G.
Protein change: p.Leu3493Val; replaces leucine 3493 with valine.
Molecular consequence: missense variant.
Genome position (GRCh38, 1-based): chr1:186,095,425, C>G. VCF-style: chr1-186095425-C-G. GRCh37 (hg19) VCF-style: chr1-186064557-C-G.
Other names: short protein forms L3493V.
Identifiers: ClinVar variation 1958619 (VCV001958619.5), dbSNP rs756184996, ClinGen allele CA1293734.

ClinVar aggregate classification (germline): Uncertain significance (1 of 4 stars; one submission).

Allele frequency attached by ClinVar (database versions not stated): ExAC 0.00001.

Submission:

Labcorp Genetics (formerly Invitae), Labcorp
Classification: Uncertain significance. Last evaluated: 2022-11-22. Review status: criteria provided, single submitter. Criteria: Invitae Variant Classification Sherloc (09022015). Collection method: clinical testing. Allele origin: germline.
Comment: This sequence change replaces leucine, which is neutral and non-polar, with valine, which is neutral and non-polar, at codon 3493 of the HMCN1 protein (p.Leu3493Val). In summary, the available evidence is currently insufficient to determine the role of this variant in disease. Therefore, it has been classified as a Variant of Uncertain Significance. Algorithms developed to predict the effect of sequence changes on RNA splicing suggest that this variant may create or strengthen a splice site. Algorithms developed to predict the effect of missense changes on protein structure and function are either unavailable or do not agree on the potential impact of this missense change (SIFT: "Tolerated"; PolyPhen-2: "Possibly Damaging"; Align-GVGD: "Class C0"). This variant has not been reported in the literature in individuals affected with HMCN1-related conditions. This variant is present in population databases (rs756184996, gnomAD 0.006%).